The following is an entry in ClinVar:

NC_000003.11:g.(128203154_128202733)_(128202028_128201205)del

Gene: GATA2 (GATA binding protein 2; minus strand).
Variant type: Deletion.
Identifiers: ClinVar variation 975812 (VCV000975812.2).

ClinVar aggregate classification (germline): Likely pathogenic (1 of 4 stars; one submission).

Conditions:
Myelodysplastic syndrome (MDS). Also called: Myelodysplastic syndromes; MYELODYSPLASTIC SYNDROME, SUSCEPTIBILITY TO; Myelodysplastic syndrome, somatic. Identifiers: Orphanet 52688, MedGen C3463824, MeSH D009190, MONDO:0018881, OMIM 614286.

Submission:

Godley laboratory, The University of Chicago
Classification: Likely pathogenic for Myelodysplastic syndrome. Last evaluated: 2020-05-21. Review status: criteria provided, single submitter. Criteria: ACMG Guidelines, 2015. Collection method: clinical testing. Allele origin: germline. Inheritance: Autosomal dominant inheritance. Affected: yes.
Comment: The exact breakpoints and thus the impact on the reading frame are unknown but it does lead to deletion of exon 4 which encodes zinc finger 2, a critical functional domain. The following ACMC/AMP criteria were used: PVS1_strong, PM2.